The following is an entry in ClinVar:

ClinVar aggregate classification (germline): Uncertain significance (1 of 4 stars; one submission).

gnomAD v4.1: 1 of 1,614,092 alleles (0.000062%); no homozygotes.

Submission:

Labcorp Genetics (formerly Invitae), Labcorp
Classification: Uncertain significance. Last evaluated: 2025-08-09. Review status: criteria provided, single submitter. Criteria: Invitae Variant Classification Sherloc (09022015). Collection method: clinical testing. Allele origin: germline.
Comment: This sequence change replaces isoleucine, which is neutral and non-polar, with threonine, which is neutral and polar, at codon 126 of the CCT2 protein (p.Ile126Thr). This variant is present in population databases (no rsID available, gnomAD 0.003%). This variant has not been reported in the literature in individuals affected with CCT2-related conditions. An algorithm developed to predict the effect of missense changes on protein structure and function (PolyPhen-2) suggests that this variant is likely to be disruptive. In summary, the available evidence is currently insufficient to determine the role of this variant in disease. Therefore, it has been classified as a Variant of Uncertain Significance.

NM_006431.3(CCT2):c.377T>C (p.Ile126Thr)

Gene: CCT2 (chaperonin containing TCP1 subunit 2; plus strand). Cytogenetic location: 12q15.
Variant type: single nucleotide variant.
Coding change: c.377T>C on transcript NM_006431.3 (MANE Select); coding-DNA position 377, T replaced by C.
Protein change: p.Ile126Thr; replaces isoleucine 126 with threonine.
Molecular consequence: missense variant.
Genome position (GRCh38, 1-based): chr12:69,588,193, T>C. VCF-style: chr12-69588193-T-C. GRCh37 (hg19) VCF-style: chr12-69981973-T-C.
Other names: c.236T>C, p.Ile79Thr (NM_001198842.2); short protein forms I79T, I126T.
Identifiers: ClinVar variation 4704889 (VCV004704889.1).